The following is an entry in ClinVar:

NM_000558.5(HBA1):c.123del (p.Thr42fs)

Genes: HBA1 (hemoglobin subunit alpha 1; plus strand), LOC106804613 (hemoglobin subunit alpha 1 recombination region; plus strand). Cytogenetic location: 16p13.3.
Variant type: Deletion.
Coding change: c.123del on transcript NM_000558.5 (MANE Select); coding-DNA position 123, one base deleted (G; older notation c.123delG).
Protein change: p.Thr42fs; shifts the reading frame from threonine 42.
Molecular consequence: frameshift variant.
Genome position (GRCh38, 1-based): chr16:176,956, G deleted. VCF-style (leftmost placement, unchanged base first): chr16-176955-AG-A. GRCh37 (hg19) VCF-style: chr16-226954-AG-A.
Other names: c.123delG (NM_000558.5); short protein forms T42fs.
Identifiers: ClinVar variation 4857482 (VCV004857482.1).

ClinVar aggregate classification (germline): Pathogenic (1 of 4 stars; one submission).

Conditions:
alpha Thalassemia. Also called: Alpha thalassemia spectrum. Identifiers: Orphanet 846, MedGen C0002312, MONDO:0011399, OMIM 604131.

Submission:

Department of Otolaryngology Head and Neck Surgery, Hainan Hospital of the Chinese People’s Liberation Army General Hospital
Classification: Pathogenic for alpha Thalassemia. Last evaluated: 2026-02-01. Review status: criteria provided, single submitter. Criteria: ACMG Guidelines, 2015. Collection method: clinical testing. Allele origin: germline. Affected: yes.
Comment: This variant is a single nucleotide deletion in the alpha-2 globin gene (HBA2:c.123delG). This frameshift mutation modifies the C-terminal protein sequence and introduces a premature stop codon 23 nucleotides downstream. Individuals heterozygous for this mutation typically present with a phenotype of α-thalassemia trait, characterized by mild microcytic hypochromic anemia. The classification of this variant as pathogenic is based on its frameshift effect leading to a non-functional alpha-globin chain and reduced alpha-globin synthesis, consistent with the characteristic features of alpha-thalassemia.

Literature cited by the submitters: PubMed 24826793; PubMed 32472543.